The following is an entry in ClinVar:

NM_021614.4(KCNN2):c.2146G>C (p.Glu716Gln)

Genes: KCNN2 (potassium calcium-activated channel subfamily N member 2; plus strand), LOC101927078 (uncharacterized LOC101927078; minus strand). Cytogenetic location: 5q22.3.
Variant type: single nucleotide variant.
Coding change: c.2146G>C on transcript NM_021614.4 (MANE Select); coding-DNA position 2146, G replaced by C.
Protein change: p.Glu716Gln; replaces glutamic acid 716 with glutamine.
Molecular consequence: missense variant. On other transcripts: non-coding transcript variant (2).
Genome position (GRCh38, 1-based): chr5:114,495,952, G>C. VCF-style: chr5-114495952-G-C. GRCh37 (hg19) VCF-style: chr5-113831649-G-C.
Other names: c.2344G>C, p.Glu782Gln (NM_001372233.1); c.466G>C, p.Glu156Gln (NM_170775.3); short protein forms E156Q, E716Q, E782Q.
Identifiers: ClinVar variation 3767479 (VCV003767479.1).

ClinVar aggregate classification (germline): Uncertain significance (1 of 4 stars; one submission).

Submission:

GeneDx
Classification: Uncertain significance. Last evaluated: 2024-09-09. Review status: criteria provided, single submitter. Criteria: GeneDx Variant Classification Process June 2021. Collection method: clinical testing. Allele origin: germline. Affected: yes.
Comment: Not observed at significant frequency in large population cohorts (gnomAD); In silico analysis indicates that this missense variant does not alter protein structure/function; Has not been previously published as pathogenic or benign to our knowledge